The following is an entry in ClinVar:

NM_000492.4(CFTR):c.156dup (p.Leu53fs)

Gene: CFTR (CF transmembrane conductance regulator; plus strand). Cytogenetic location: 7q31.2.
Variant type: Duplication.
Coding change: c.156dup on transcript NM_000492.4 (MANE Select); coding-DNA position 156, one base duplicated (A; older notation c.156dupA).
Protein change: p.Leu53fs; shifts the reading frame from leucine 53.
Molecular consequence: frameshift variant.
Genome position (GRCh38, 1-based): chr7:117,504,355, A duplicated; the last of 5 consecutive A bases (chr7:117,504,351-117,504,355); duplicating any one gives the same sequence. VCF-style (leftmost placement, unchanged base first): chr7-117504350-G-GA. GRCh37 (hg19) VCF-style: chr7-117144404-G-GA.
Other names: c.156dupA (NM_000492.3); short protein forms L53fs.
Identifiers: ClinVar variation 1775479 (VCV001775479.5), dbSNP rs1346705436, ClinGen allele CA577216416.

ClinVar aggregate classification (germline): Pathogenic/Likely pathogenic. Review status: criteria provided, multiple submitters, no conflicts (2 of 4 stars). 3 submissions from 3 submitters: Pathogenic (2); Likely pathogenic (1). Last evaluated 2024-10-18.

Conditions:
CFTR-related disorder (CFTR-RD). Also called: CFTR-related condition; CFTR-related disorders. Identifiers: MedGen C5924204, MONDO:7770004.
Cystic fibrosis (CF). Also called: MUCOVISCIDOSIS. Identifiers: Orphanet 586, MedGen C0010674, MONDO:0009061, OMIM 219700. Disease mechanism: loss of function.

Submissions (3):

Labcorp Genetics (formerly Invitae), Labcorp
Classification: Pathogenic for Cystic fibrosis. Last evaluated: 2024-10-18. Review status: criteria provided, single submitter. Criteria: Invitae Variant Classification Sherloc (09022015). Collection method: clinical testing. Allele origin: germline.
Comment: This sequence change creates a premature translational stop signal (p.Leu53Ilefs*7) in the CFTR gene. It is expected to result in an absent or disrupted protein product. Loss-of-function variants in CFTR are known to be pathogenic (PMID: 1695717, 7691345, 9725922). This variant is present in population databases (no rsID available, gnomAD 0.003%). This variant has not been reported in the literature in individuals affected with CFTR-related conditions. ClinVar contains an entry for this variant (Variation ID: 1775479). For these reasons, this variant has been classified as Pathogenic.

Natera, Inc.
Classification: Likely pathogenic for CFTR-related disorders. Last evaluated: 2024-08-12. Review status: criteria provided, single submitter. Criteria: Natera Variant Classification Schema (03/2026). Collection method: clinical testing. Allele origin: germline.
Comment: The c.156dupA variant in CFTR is a frameshift variant predicted to shift the reading frame beginning at codon 53 and leads to a stop codon 7 codons downstream. This variant is expected to result in nonsense mediated decay, truncation, or a dysfunctional protein product. This variant is rare in the general population with a frequency below the threshold expected for the associated phenotype(s). Given the available evidence, this variant is classified as Likely Pathogenic.

Ambry Genetics
Classification: Pathogenic for Cystic fibrosis. Last evaluated: 2017-03-22. Review status: criteria provided, single submitter. Criteria: Ambry Variant Classification Scheme 2023. Collection method: clinical testing. Allele origin: germline.
Comment: The c.156dupA pathogenic mutation, located in coding exon 2 of the CFTR gene, results from a duplication of A at nucleotide position 156, causing a translational frameshift with a predicted alternate stop codon (p.L53Ifs*7). This alteration is expected to result in loss of function by premature protein truncation or nonsense-mediated mRNA decay. As such, this alteration is interpreted as a disease-causing mutation.

Literature cited by the submitters: PubMed 1695717 (cited by Labcorp Genetics (formerly Invitae), Labcorp); PubMed 7691345 (cited by Labcorp Genetics (formerly Invitae), Labcorp); PubMed 9725922 (cited by Labcorp Genetics (formerly Invitae), Labcorp).